The following is an entry in ClinVar:

ClinVar aggregate classification (germline): Likely benign. Review status: criteria provided, multiple submitters, no conflicts (2 of 4 stars). 2 submissions from 2 submitters: Likely benign (2). Last evaluated 2018-01-13.

Conditions:
Congenital stationary night blindness 1D. Also called: Night blindness, congenital stationary (complete), 1D, autosomal recessive. Identifiers: Orphanet 215, MedGen C3151193, MONDO:0013450, OMIM 613830.

Allele frequency attached by ClinVar (database versions not stated): 1000 Genomes Project 0.00399; 1000 Genomes Project 30x 0.00468; gnomAD 0.00655 and 0.00702; TOPMed 0.00696; gnomAD exomes 0.00853.
gnomAD v4.1: 7,577 of 923,956 alleles (0.82%); highest among the groups gnomAD compares: Non-Finnish European, 1.1%; 50 homozygotes.

Submissions (2):

Illumina Laboratory Services, Illumina
Classification: Likely benign for Congenital stationary night blindness 1D. Last evaluated: 2018-01-13. Review status: criteria provided, single submitter. Criteria: ICSL Variant Classification Criteria 13 December 2019. Collection method: clinical testing. Allele origin: germline.
Comment: This variant was observed in the ICSL laboratory as part of a predisposition screen in an ostensibly healthy population. It had not been previously curated by ICSL or reported in the Human Gene Mutation Database (HGMD: prior to June 1st, 2018), and was therefore a candidate for classification through an automated scoring system. Utilizing variant allele frequency, disease prevalence and penetrance estimates, and inheritance mode, an automated score was calculated to assess if this variant is too frequent to cause the disease. Based on the score and internal cut-off values, a variant classified as likely benign is not then subjected to further curation. The score for this variant resulted in a classification of likely benign for this disease.

Breakthrough Genomics
Classification: Likely benign. Review status: criteria provided, single submitter. Criteria: ACMG Guidelines, 2015. Collection method: not provided. Allele origin: germline. Inheritance: Autosomal recessive inheritance. Affected: yes.

NM_004727.3(SLC24A1):c.-113C>T

Gene: SLC24A1 (solute carrier family 24 member 1; plus strand). Cytogenetic location: 15q22.31.
Variant type: single nucleotide variant.
Coding change: c.-113C>T on transcript NM_004727.3 (MANE Select); 113 bases upstream of the start codon, C replaced by T.
Molecular consequence: 5 prime UTR variant.
Genome position (GRCh38, 1-based): chr15:65,623,968, C>T. VCF-style: chr15-65623968-C-T. GRCh37 (hg19) VCF-style: chr15-65916306-C-T.
Other names: c.-113C>T (NM_001301032.1, NM_001301033.2, NM_001301031.1).
Identifiers: ClinVar variation 316783 (VCV000316783.6), dbSNP rs76680467, ClinGen allele CA10636365.